The following is an entry in ClinVar:

NM_001039.4(SCNN1G):c.470G>A (p.Arg157Gln)

Gene: SCNN1G (sodium channel epithelial 1 subunit gamma; plus strand). Cytogenetic location: 16p12.2.
Variant type: single nucleotide variant.
Coding change: c.470G>A on transcript NM_001039.4 (MANE Select); coding-DNA position 470, G replaced by A.
Protein change: p.Arg157Gln; replaces arginine 157 with glutamine.
Molecular consequence: missense variant.
Genome position (GRCh38, 1-based): chr16:23,189,523, G>A. VCF-style: chr16-23189523-G-A. GRCh37 (hg19) VCF-style: chr16-23200844-G-A.
Other names: short protein forms R157Q.
Identifiers: ClinVar variation 1313539 (VCV001313539.7), dbSNP rs181420353, ClinGen allele CA7959581.

ClinVar aggregate classification (germline): Uncertain significance. Review status: criteria provided, multiple submitters, no conflicts (2 of 4 stars). 4 submissions from 4 submitters: Uncertain significance (4). Last evaluated 2025-07-31.

Conditions:
Bronchiectasis with or without elevated sweat chloride 3 (BESC3). Identifiers: Orphanet 60033, MedGen C2751324, MONDO:0013112, OMIM 613071.
Pseudohypoaldosteronism, type IB3, autosomal recessive (PHA1B3). Identifiers: MedGen C5774256, MONDO:0859318, OMIM 620126.
Liddle syndrome 2. Identifiers: MedGen C4748251, MONDO:0020854, OMIM 618114.

Allele frequency attached by ClinVar (database versions not stated): gnomAD exomes 0.00005 and 0.00006; gnomAD 0.00006 and 0.00007; ExAC 0.00007; TOPMed 0.00007; ESP Exome Variant Server 0.00008; 1000 Genomes Project 0.00020; 1000 Genomes Project 30x 0.00031.

Submissions (4):

Labcorp Genetics (formerly Invitae), Labcorp
Classification: Uncertain significance. Last evaluated: 2025-07-31. Review status: criteria provided, single submitter. Criteria: Invitae Variant Classification Sherloc (09022015). Collection method: clinical testing. Allele origin: germline.
Comment: This sequence change replaces arginine, which is basic and polar, with glutamine, which is neutral and polar, at codon 157 of the SCNN1G protein (p.Arg157Gln). This variant is present in population databases (rs181420353, gnomAD 0.02%). This variant has not been reported in the literature in individuals affected with SCNN1G-related conditions. ClinVar contains an entry for this variant (Variation ID: 1313539). An algorithm developed to predict the effect of missense changes on protein structure and function (PolyPhen-2) suggests that this variant is likely to be tolerated. In summary, the available evidence is currently insufficient to determine the role of this variant in disease. Therefore, it has been classified as a Variant of Uncertain Significance.

Genetic Services Laboratory, University of Chicago
Classification: Uncertain significance. Last evaluated: 2024-03-18. Review status: criteria provided, single submitter. Criteria: ACMG Guidelines, 2015. Collection method: clinical testing. Allele origin: germline. Affected: no.
Comment: DNA sequence analysis of the SCNN1G gene demonstrated a sequence change, c.470G>A, in exon 3 that results in an amino acid change, p.Arg157Gln. This sequence change does not appear to have been previously described in individuals with SCNN1G-related disorders. This sequence change has been described in the gnomAD database with a frequency of 0.006% in the overall population (dbSNP rs181420353). The p.Arg157Gln change affects a poorly conserved amino acid residue located in a domain of the SCNN1G protein that is known to be functional. The p.Arg157Gln substitution appears to be benign using several in-silico pathogenicity prediction tools (SIFT, PolyPhen2, Align GVGD, REVEL). Due to insufficient evidences and the lack of functional studies, the clinical significance of the p.Arg157Gln change remains unknown at this time.

Fulgent Genetics
Classification: Uncertain significance for Bronchiectasis with or without elevated sweat chloride 3; Liddle syndrome 2; Pseudohypoaldosteronism, type IB3, autosomal recessive. Last evaluated: 2024-01-05. Review status: criteria provided, single submitter. Criteria: ACMG Guidelines, 2015. Collection method: clinical testing. Allele origin: germline.

GeneDx
Classification: Uncertain significance. Last evaluated: 2020-10-23. Review status: criteria provided, single submitter. Criteria: GeneDx Variant Classification Process June 2021. Collection method: clinical testing. Allele origin: germline. Affected: yes.
Comment: In silico analysis supports that this missense variant does not alter protein structure/function; Has not been previously published as pathogenic or benign to our knowledge